The following is an entry in ClinVar:

NM_052947.4(ALPK2):c.2923C>T (p.Pro975Ser)

Gene: ALPK2 (alpha kinase 2; minus strand). Cytogenetic location: 18q21.31.
Variant type: single nucleotide variant.
Coding change: c.2923C>T on transcript NM_052947.4 (MANE Select); coding-DNA position 2923, C replaced by T.
Protein change: p.Pro975Ser; replaces proline 975 with serine.
Molecular consequence: missense variant.
Genome position (GRCh38, 1-based): chr18:58,537,264, G>A on the plus strand (C>T on the coding strand, the complement: ALPK2 is on the minus strand). VCF-style: chr18-58537264-G-A. GRCh37 (hg19) VCF-style: chr18-56204496-G-A.
Other names: short protein forms P975S.
Identifiers: ClinVar variation 1797733 (VCV001797733.3), dbSNP rs1247940185, ClinGen allele CA402569479.

ClinVar aggregate classification (germline): Uncertain significance (1 of 4 stars; one submission).

gnomAD v4.1: 1 of 1,614,162 alleles (0.000062%); highest among the groups gnomAD compares: African/African-American, 0.0013%; no homozygotes.

Submission:

Ambry Genetics
Classification: Uncertain significance. Last evaluated: 2024-06-30. Review status: criteria provided, single submitter. Criteria: Ambry Variant Classification Scheme 2023. Collection method: clinical testing. Allele origin: germline.
Comment: The p.P975S variant (also known as c.2923C>T), located in coding exon 4 of the ALPK2 gene, results from a C to T substitution at nucleotide position 2923. The proline at codon 975 is replaced by serine, an amino acid with similar properties. This amino acid position is conserved. In addition, this alteration is predicted to be tolerated by in silico analysis. Since supporting evidence is limited at this time, the clinical significance of this alteration remains unclear.